The following is an entry in ClinVar:

NM_003413.4(ZIC3):c.649C>G (p.Pro217Ala)

Gene: ZIC3 (Zic family zinc finger 3; plus strand). Cytogenetic location: Xq26.3.
Variant type: single nucleotide variant.
Coding change: c.649C>G on transcript NM_003413.4 (MANE Select); coding-DNA position 649, C replaced by G.
Protein change: p.Pro217Ala; replaces proline 217 with alanine.
Molecular consequence: missense variant.
Genome position (GRCh38, 1-based): chrX:137,567,340, C>G. VCF-style: chrX-137567340-C-G. GRCh37 (hg19) VCF-style: chrX-136649499-C-G.
Other names: p.P217A:CCT>GCT; c.649C>G, p.Pro217Ala (NM_001330661.1); short protein forms P217A.
Identifiers: ClinVar variation 11439 (VCV000011439.23), dbSNP rs104894963, ClinGen allele CA121446.

ClinVar aggregate classification (germline): Benign/Likely benign. Review status: criteria provided, multiple submitters, no conflicts (2 of 4 stars). 9 submissions from 9 submitters: Benign (4); Likely benign (2). 3 of the submissions do not count toward it. Last evaluated 2026-04-01.

Conditions:
VACTERL association, X-linked, with or without hydrocephalus (VACTERLX). Also called: VACTERL Association with Hydrocephalus, X-linked; VACTERL ASSOCIATION, X-LINKED; VACTERL-H, X-LINKED; X-linked VACTERL-H syndrome. Identifiers: Orphanet 3412, MedGen C2931228, MONDO:0010752, OMIM 314390.
Heterotaxy, visceral, 1, X-linked (HTX1). Also called: DEXTROCARDIA WITH OTHER CARDIAC MALFORMATIONS; Laterality, X-linked; Visceral heterotaxia; SITUS INVERSUS, COMPLEX CARDIAC DEFECTS, AND SPLENIC DEFECTS, X-LINKED. Identifiers: Orphanet 450, MedGen C1844020, MONDO:0010607, OMIM 306955.
Congenital heart defects, multiple types, 1, X-linked. Also called: Congenital heart defects, nonsyndromic, 1, X-linked. Identifiers: MedGen C3151867, MONDO:0800321.

Allele frequency attached by ClinVar (database versions not stated): gnomAD exomes 0.00151; ExAC 0.00183; 1000 Genomes Project 0.00556; 1000 Genomes Project 30x 0.00604; gnomAD 0.00610 and 0.00650; TOPMed 0.00680.
gnomAD v4.1: 1,287 of 1,210,097 alleles (0.11%); highest among the groups gnomAD compares: African/African-American, 2%; 14 homozygotes.

Submissions (9):

CeGaT Center for Human Genetics Tuebingen
Classification: Benign. Last evaluated: 2026-04-01. Review status: criteria provided, single submitter. Criteria: CeGaT Center For Human Genetics Tuebingen Variant Classification Criteria Version 2. Collection method: clinical testing. Allele origin: germline. Affected: yes. Observed: 1 variant allele.
Comment: ZIC3: PP2, BS1, BS2

Labcorp Genetics (formerly Invitae), Labcorp
Classification: Benign for Heterotaxy, visceral, 1, X-linked. Last evaluated: 2025-10-22. Review status: criteria provided, single submitter. Criteria: Invitae Variant Classification Sherloc (09022015). Collection method: clinical testing. Allele origin: germline.

ARUP Laboratories, Molecular Genetics and Genomics, ARUP Laboratories
Classification: Benign. Last evaluated: 2025-02-06. Review status: criteria provided, single submitter. Criteria: ARUP Molecular Germline Variant Investigation Process 2024. Collection method: clinical testing. Allele origin: germline.

GeneDx
Classification: Benign. Last evaluated: 2019-01-17. Review status: criteria provided, single submitter. Criteria: GeneDx Variant Classification Process June 2021. Collection method: clinical testing. Allele origin: germline. Affected: yes.
Comment: This variant is associated with the following publications: (PMID: 22995991, 23427188, 24123890, 14681828, 17764085)

Center for Pediatric Genomic Medicine, Children's Mercy Hospital and Clinics
Classification: Likely benign. Last evaluated: 2017-04-27. Review status: criteria provided, single submitter. Criteria: ACMG Guidelines, 2015. Collection method: clinical testing. Allele origin: germline.

Illumina Laboratory Services, Illumina
Classification: Likely benign for VACTERL association, X-linked, with or without hydrocephalus. Last evaluated: 2017-04-27. Review status: criteria provided, single submitter. Criteria: ICSL Variant Classification Criteria 13 December 2019. Collection method: clinical testing. Allele origin: germline.
Comment: This variant was observed as part of a predisposition screen in an ostensibly healthy population. A literature search was performed for the gene, cDNA change, and amino acid change (where applicable). No publications were found based on this search. Allele frequency data from public databases allowed determination this variant is unlikely to cause disease. Therefore, this variant is classified as likely benign.

OMIM
Classification: Uncertain significance for RECLASSIFIED - VARIANT OF UNKNOWN SIGNIFICANCE. Last evaluated: 2004-01-01. Review status: no assertion criteria provided. Collection method: literature only. Allele origin: germline. Not counted in ClinVar's aggregate classification.

Genome Diagnostics Laboratory, University Medical Center Utrecht
Classification: Benign. Review status: no assertion criteria provided. Collection method: clinical testing. Allele origin: germline. Affected: yes. Study: VKGL Data-share Consensus. Not counted in ClinVar's aggregate classification.

Laboratory of Diagnostic Genome Analysis, Leiden University Medical Center (LUMC)
Classification: Likely benign. Review status: no assertion criteria provided. Collection method: clinical testing. Allele origin: germline. Affected: yes. Study: VKGL Data-share Consensus. Not counted in ClinVar's aggregate classification.

Literature cited by the submitters: Hamosh, A. Personal Communication. 2020. Baltimore, Md. (cited by OMIM); PubMed 14681828 (cited by OMIM).